The following is an entry in ClinVar:

NM_001261826.3(AP3D1):c.2787+4A>G

Gene: AP3D1 (adaptor related protein complex 3 subunit delta 1; minus strand). Cytogenetic location: 19p13.3.
Variant type: single nucleotide variant.
Coding change: c.2787+4A>G on transcript NM_001261826.3 (MANE Select); 4 bases into the intron after coding-DNA position 2787, A replaced by G.
Molecular consequence: intron variant.
Genome position (GRCh38, 1-based): chr19:2,112,856, T>C on the plus strand (A>G on the coding strand, the complement: AP3D1 is on the minus strand). VCF-style: chr19-2112856-T-C. GRCh37 (hg19) VCF-style: chr19-2112855-T-C.
Other names: c.2602-1028A>G (NM_003938.8); c.2751+4A>G (NM_001374799.1).
Identifiers: ClinVar variation 3652554 (VCV003652554.2).

ClinVar aggregate classification (germline): Uncertain significance (1 of 4 stars; one submission).

gnomAD v4.1: 1 of 1,607,220 alleles (0.000062%); highest among the groups gnomAD compares: Non-Finnish European, 0.000085%; no homozygotes.

Submission:

Labcorp Genetics (formerly Invitae), Labcorp
Classification: Uncertain significance. Last evaluated: 2024-09-12. Review status: criteria provided, single submitter. Criteria: Invitae Variant Classification Sherloc (09022015). Collection method: clinical testing. Allele origin: germline.
Comment: This sequence change falls in intron 24 of the AP3D1 gene. It does not directly change the encoded amino acid sequence of the AP3D1 protein. It affects a nucleotide within the consensus splice site. The frequency data for this variant in the population databases is considered unreliable, as metrics indicate poor data quality at this position in the gnomAD database. This variant has not been reported in the literature in individuals affected with AP3D1-related conditions. Variants that disrupt the consensus splice site are a relatively common cause of aberrant splicing (PMID: 17576681, 9536098). Algorithms developed to predict the effect of sequence changes on RNA splicing suggest that this variant is not likely to affect RNA splicing. In summary, the available evidence is currently insufficient to determine the role of this variant in disease. Therefore, it has been classified as a Variant of Uncertain Significance.

Literature cited by the submitters: PubMed 17576681; PubMed 9536098.